The following is an entry in ClinVar:

NM_021922.3(FANCE):c.266G>T (p.Arg89Leu)

Gene: FANCE (FA complementation group E; plus strand). Cytogenetic location: 6p21.31.
Variant type: single nucleotide variant.
Coding change: c.266G>T on transcript NM_021922.3 (MANE Select); coding-DNA position 266, G replaced by T.
Protein change: p.Arg89Leu; replaces arginine 89 with leucine.
Molecular consequence: missense variant.
Genome position (GRCh38, 1-based): chr6:35,455,764, G>T. VCF-style: chr6-35455764-G-T. GRCh37 (hg19) VCF-style: chr6-35423541-G-T.
Other names: short protein forms R89L.
Identifiers: ClinVar variation 134334 (VCV000134334.42), dbSNP rs45600543, ClinGen allele CA159531.

ClinVar aggregate classification (germline): Benign/Likely benign. Review status: criteria provided, multiple submitters, no conflicts (2 of 4 stars). 6 submissions from 6 submitters: Benign (2); Likely benign (3). 1 of the submissions does not count toward it. Last evaluated 2026-01-28.

Conditions:
Fanconi anemia complementation group E (FANCE). Also called: FANCE-Related Fanconi Anemia. Identifiers: Orphanet 84, MedGen C3160739, MONDO:0010953, OMIM 600901.

Allele frequency attached by ClinVar (database versions not stated): TOPMed 0.00077; gnomAD 0.00083; 1000 Genomes Project 30x 0.00297; 1000 Genomes Project 0.00359.
gnomAD v4.1: 786 of 1,614,038 alleles (0.049%); highest among the groups gnomAD compares: East Asian, 1.2%; 5 homozygotes.

Submissions (6):

Labcorp Genetics (formerly Invitae), Labcorp
Classification: Benign for Fanconi anemia complementation group E. Last evaluated: 2026-01-28. Review status: criteria provided, single submitter. Criteria: Invitae Variant Classification Sherloc (09022015). Collection method: clinical testing. Allele origin: germline.

CeGaT Center for Human Genetics Tuebingen
Classification: Likely benign. Last evaluated: 2025-03-01. Review status: criteria provided, single submitter. Criteria: CeGaT Center For Human Genetics Tuebingen Variant Classification Criteria Version 2. Collection method: clinical testing. Allele origin: germline. Affected: yes. Observed: 3 variant alleles.
Comment: FANCE: BP4, BS1

Blueprint Genetics
Classification: Likely benign. Last evaluated: 2024-11-26. Review status: criteria provided, single submitter. Criteria: ACMG Guidelines, 2015. Collection method: clinical testing. Allele origin: germline.

Genetic Services Laboratory, University of Chicago
Classification: Likely benign. Last evaluated: 2017-05-03. Review status: criteria provided, single submitter. Criteria: ACMG Guidelines, 2015. Collection method: clinical testing. Allele origin: germline. Affected: no.

Illumina Laboratory Services, Illumina
Classification: Benign for Fanconi anemia complementation group E. Last evaluated: 2017-04-27. Review status: criteria provided, single submitter. Criteria: ICSL Variant Classification Criteria 13 December 2019. Collection method: clinical testing. Allele origin: germline.
Comment: This variant was observed as part of a predisposition screen in an ostensibly healthy population. A literature search was performed for the gene, cDNA change, and amino acid change (where applicable). Publications were found based on this search. The evidence from the literature, in combination with allele frequency data from public databases where available, was sufficient to rule this variant out of causing disease. Therefore, this variant is classified as benign.

ITMI
No classification provided. Condition: AllHighlyPenetrant. Last evaluated: 2013-09-19. Review status: no classification provided. Collection method: reference population. Allele origin: germline. Not counted in ClinVar's aggregate classification.
Comment: Please see associated publication for description of ethnicities

Literature cited by the submitters: PubMed 18271933 (cited by Illumina Laboratory Services, Illumina); PubMed 15609317 (cited by Illumina Laboratory Services, Illumina); PubMed 16774934 (cited by Illumina Laboratory Services, Illumina); PubMed 24728327 (cited by Illumina Laboratory Services, Illumina and ITMI).